The following is an entry in ClinVar:

NM_001267550.2(TTN):c.51625G>A (p.Ala17209Thr)

Genes: TTN (titin; minus strand), TTN-AS1 (TTN antisense RNA 1; plus strand). Cytogenetic location: 2q31.2.
Variant type: single nucleotide variant.
Coding change: c.51625G>A on transcript NM_001267550.2 (MANE Select); coding-DNA position 51625, G replaced by A.
Protein change: p.Ala17209Thr; replaces alanine 17209 with threonine.
Molecular consequence: missense variant.
Genome position (GRCh38, 1-based): chr2:178,609,798, C>T on the plus strand (G>A on the coding strand, the complement: TTN is on the minus strand). VCF-style: chr2-178609798-C-T. GRCh37 (hg19) VCF-style: chr2-179474525-C-T.
Other names: c.46702G>A, p.Ala15568Thr (NM_001256850.1); c.24430G>A, p.Ala8144Thr (NM_003319.4); c.43921G>A, p.Ala14641Thr (NM_133378.4); c.24805G>A, p.Ala8269Thr (NM_133432.3); c.25006G>A, p.Ala8336Thr (NM_133437.4); short protein forms A14641T, A17209T, A8144T, A8336T, A8269T, A15568T.
Identifiers: ClinVar variation 488181 (VCV000488181.3), dbSNP rs1292930837, ClinGen allele CA349583773.
Genomic context (GRCh38, chr2:178,609,798, plus strand): 5'-CCGCGGCGTTCTCTGCTCGCACACGGAATTGGTACTCTTTCCCCTCTTCAAGTCCTTTTG[C>T]TGTATAGGTCAGGATTGGTACCAGGTGTTCATTGCATCTCTTCCACCTTTCTTCACCCTT-3'
Protein context (NP_001254479.2, residues 17199-17219): EHLVPILTYT[Ala17209Thr]KGLEEGKEYQ

ClinVar aggregate classification (germline): Uncertain significance. Review status: criteria provided, multiple submitters, no conflicts (2 of 4 stars). 4 submissions from 2 submitters: Uncertain significance (4). Last evaluated 2020-08-18.

Conditions:
Cardiovascular phenotype. Identifiers: MedGen CN230736.
Tibial muscular dystrophy (TMD). Also called: UDD MYOPATHY; Tibial muscular dystrophy, tardive; Udd Distal Myopathy – Tibial Muscular Dystrophy. Identifiers: Orphanet 609, MedGen C1838244, MONDO:0010870, OMIM 600334.
Autosomal recessive limb-girdle muscular dystrophy type 2J (LGMDR10). Also called: Limb-girdle muscular dystrophy, type 2J; MUSCULAR DYSTROPHY, LIMB-GIRDLE, AUTOSOMAL RECESSIVE 10. Identifiers: Orphanet 140922, MedGen C1837342, MONDO:0012127, OMIM 608807.
Dilated cardiomyopathy 1G (CMD1G). Identifiers: Orphanet 154, MedGen C1858763, MONDO:0011400, OMIM 604145.

Allele frequency attached by ClinVar (database versions not stated): gnomAD 0.00001; gnomAD exomes 0.00001; TOPMed 0.00001.
gnomAD v4.1: 11 of 1,612,758 alleles (0.00068%); highest among the groups gnomAD compares: African/African-American, 0.0067%; no homozygotes.

Submissions (4):

Ambry Genetics
Classification: Uncertain significance for Cardiovascular phenotype. Last evaluated: 2020-08-18. Review status: criteria provided, single submitter. Criteria: Ambry Variant Classification Scheme 2023. Collection method: clinical testing. Allele origin: germline.
Comment: The p.A8144T variant (also known as c.24430G>A), located in coding exon 99 of the TTN gene, results from a G to A substitution at nucleotide position 24430. The alanine at codon 8144 is replaced by threonine, an amino acid with similar properties. This amino acid position is not well conserved in available vertebrate species. In addition, this alteration is predicted to be tolerated by in silico analysis. Since supporting evidence is limited at this time, the clinical significance of this alteration remains unclear.

Phosphorus, Inc.
Classification: Uncertain significance for Dilated cardiomyopathy 1G. Last evaluated: 2017-08-01. Review status: criteria provided, single submitter. Criteria: ACMG Guidelines, 2015. Collection method: clinical testing. Allele origin: germline. Observed: 2 variant alleles.

Phosphorus, Inc.
Classification: Uncertain significance for Autosomal recessive limb-girdle muscular dystrophy type 2J. Last evaluated: 2017-08-01. Review status: criteria provided, single submitter. Criteria: ACMG Guidelines, 2015. Collection method: clinical testing. Allele origin: germline. Observed: 2 variant alleles.

Phosphorus, Inc.
Classification: Uncertain significance for Tibial muscular dystrophy. Last evaluated: 2017-08-01. Review status: criteria provided, single submitter. Criteria: ACMG Guidelines, 2015. Collection method: clinical testing. Allele origin: germline. Observed: 2 variant alleles.